The following is an entry in ClinVar:

NM_000260.4(MYO7A):c.3513C>G (p.Ile1171Met)

Gene: MYO7A (myosin VIIA; plus strand). Cytogenetic location: 11q13.5.
Variant type: single nucleotide variant.
Coding change: c.3513C>G on transcript NM_000260.4 (MANE Select); coding-DNA position 3513, C replaced by G.
Protein change: p.Ile1171Met; replaces isoleucine 1171 with methionine.
Molecular consequence: missense variant.
Genome position (GRCh38, 1-based): chr11:77,189,353, C>G. VCF-style: chr11-77189353-C-G. GRCh37 (hg19) VCF-style: chr11-76900398-C-G.
Other names: c.3513C>G, p.Ile1171Met (NM_001127180.2); c.3480C>G, p.Ile1160Met (NM_001369365.1); short protein forms I1171M, I1160M.
Identifiers: ClinVar variation 2147174 (VCV002147174.4), dbSNP rs2497341801, ClinGen allele CA381946839.

ClinVar aggregate classification (germline): Uncertain significance (1 of 4 stars; one submission).

Allele frequency attached by ClinVar (database versions not stated): gnomAD exomes 0.00001.
gnomAD v4.1: 4 of 1,613,484 alleles (0.00025%); highest among the groups gnomAD compares: South Asian, 0.0044%; no homozygotes.

Submission:

Labcorp Genetics (formerly Invitae), Labcorp
Classification: Uncertain significance. Last evaluated: 2022-10-15. Review status: criteria provided, single submitter. Criteria: Invitae Variant Classification Sherloc (09022015). Collection method: clinical testing. Allele origin: germline.
Comment: This sequence change replaces isoleucine, which is neutral and non-polar, with methionine, which is neutral and non-polar, at codon 1171 of the MYO7A protein (p.Ile1171Met). This variant is not present in population databases (gnomAD no frequency). This variant has not been reported in the literature in individuals affected with MYO7A-related conditions. Advanced modeling of protein sequence and biophysical properties (such as structural, functional, and spatial information, amino acid conservation, physicochemical variation, residue mobility, and thermodynamic stability) performed at Invitae indicates that this missense variant is expected to disrupt MYO7A protein function. In summary, the available evidence is currently insufficient to determine the role of this variant in disease. Therefore, it has been classified as a Variant of Uncertain Significance.